The following is an entry in ClinVar:

ClinVar aggregate classification (germline): Conflicting classifications of pathogenicity. Review status: criteria provided, conflicting classifications (1 of 4 stars). 3 submissions from 3 submitters: Likely pathogenic (1); Uncertain significance (2). Last evaluated 2024-05-14.

Conditions:
Hypoparathyroidism, deafness, renal disease syndrome (HDRS). Also called: HYPOPARATHYROIDISM, SENSORINEURAL DEAFNESS, AND RENAL DYSPLASIA SYNDROME. Identifiers: Orphanet 2237, MedGen C1840333, MONDO:0007797, OMIM 146255.
Hearing impairment. Also called: Impaired Hearing. Identifiers: MedGen C1384666, MONDO:0005365, HP:0000365.

Allele frequency attached by ClinVar (database versions not stated): ExAC 0.00001; gnomAD exomes 0.00002; TOPMed 0.00002; ESP Exome Variant Server 0.00008.
gnomAD v4.1: 27 of 1,614,038 alleles (0.0017%); highest among the groups gnomAD compares: East Asian, 0.0022%; no homozygotes.

Submissions (3):

Labcorp Genetics (formerly Invitae), Labcorp
Classification: Uncertain significance. Last evaluated: 2024-05-14. Review status: criteria provided, single submitter. Criteria: Invitae Variant Classification Sherloc (09022015). Collection method: clinical testing. Allele origin: germline.
Comment: This sequence change replaces threonine, which is neutral and polar, with methionine, which is neutral and non-polar, at codon 421 of the GATA3 protein (p.Thr421Met). This variant is present in population databases (rs374919553, gnomAD 0.004%). This variant has not been reported in the literature in individuals affected with GATA3-related conditions. ClinVar contains an entry for this variant (Variation ID: 974707). Advanced modeling of protein sequence and biophysical properties (such as structural, functional, and spatial information, amino acid conservation, physicochemical variation, residue mobility, and thermodynamic stability) performed at Invitae indicates that this missense variant is not expected to disrupt GATA3 protein function with a negative predictive value of 80%. In summary, the available evidence is currently insufficient to determine the role of this variant in disease. Therefore, it has been classified as a Variant of Uncertain Significance.

Molecular Medicine Center, Medical University of Sofia
Classification: Likely pathogenic for Hypoparathyroidism, deafness, renal disease syndrome. Last evaluated: 2020-07-23. Review status: criteria provided, single submitter. Criteria: ACMG Guidelines, 2015. Collection method: research. Allele origin: inherited. Inheritance: Autosomal dominant inheritance. Affected: yes. Observed: 2 heterozygotes. Clinical features observed: Renal dysplasia (HP:0000110), Chronic kidney disease (HP:0012622), Hypoparathyroidism (HP:0000829).
Comment: The allele segregates with the disease in the family.

Cambridge Genomics Laboratory, East Genomic Laboratory Hub, NHS Genomic Medicine Service
Classification: Uncertain significance for Hearing impairment. Last evaluated: 2019-04-17. Review status: criteria provided, single submitter. Criteria: ACGS Best Practice Guidelines for Variant Classification in Rare Disease 2020. Collection method: clinical testing. Allele origin: germline. Affected: yes. Observed: 1 variant allele.

NM_001002295.2(GATA3):c.1262C>T (p.Thr421Met)

Gene: GATA3 (GATA binding protein 3; plus strand). Cytogenetic location: 10p14.
Variant type: single nucleotide variant.
Coding change: c.1262C>T on transcript NM_001002295.2 (MANE Select); coding-DNA position 1262, C replaced by T.
Protein change: p.Thr421Met; replaces threonine 421 with methionine.
Molecular consequence: missense variant.
Genome position (GRCh38, 1-based): chr10:8,073,950, C>T. VCF-style: chr10-8073950-C-T. GRCh37 (hg19) VCF-style: chr10-8115913-C-T.
Other names: c.1259C>T, p.Thr420Met (NM_002051.3); short protein forms T420M, T421M.
Identifiers: ClinVar variation 974707 (VCV000974707.6), dbSNP rs374919553, ClinGen allele CA5404579.